The following is an entry in ClinVar:

GRCh38/hg38 Xp22.2(chrX:11766227-11770962)x0

Gene: MSL3 (MSL complex subunit 3; plus strand). Cytogenetic location: Xp22.2.
Variant type: copy number loss.
Change: copy number 0 of chrX:11,766,227-11,770,962 (4.7 kb, GRCh38 coordinates, 1-based), cytogenetic band Xp22.2.
Identifiers: ClinVar variation 2579184 (VCV002579184.1).

ClinVar aggregate classification (germline): Pathogenic (1 of 4 stars; one submission).

Conditions:
Basilicata-Akhtar syndrome. Also called: MENTAL RETARDATION, X-LINKED, SYNDROMIC, BASILICATA-AKHTAR TYPE; INTELLECTUAL DEVELOPMENTAL DISORDER, X-LINKED, SYNDROMIC, 36. Identifiers: MedGen C5231394, MONDO:0026730, OMIM 301032.

Submission:

Broad Center for Mendelian Genomics, Broad Institute of MIT and Harvard
Classification: Pathogenic for Basilicata-Akhtar syndrome. Last evaluated: 2023-08-24. Review status: criteria provided, single submitter. Criteria: ACMG/ClinGen CNV Guidelines, 2019. Collection method: research. Allele origin: de novo. Inheritance: X-linked inheritance. Affected: yes.
Comment: The patient phenotype is nonspecific, but is consistent with cases described in the literature and/or published databases with overlapping variants. This intragenic variant is predicted to cause a frameshift, which alters the protein’s amino acid sequence beginning at exon 10 and leads to a premature termination codon. This alteration is then predicted to lead to a truncated or absent protein. Loss of function of MSL3 is an established disease mechanism in X-linked Basilicata-Akhtar syndrome. In summary, this variant meets criteria to be classified as pathogenic for X-linked Basilicata-Akhtar syndrome. The ACMG/ClinGen evidence codes and points used in this curation are as follows: 1: 0 points, 2: 0.90 points, 3: 0 points, 4-5: 0.15 points; Total: 1.05 points; Riggs 2020 (PMID: 31690835).

Literature cited by the submitters: PubMed 30224647.